The following is an entry in ClinVar:

ClinVar aggregate classification (germline): Likely pathogenic (1 of 4 stars; one submission).

Conditions:
Autosomal recessive limb-girdle muscular dystrophy type 2J (LGMDR10). Also called: Limb-girdle muscular dystrophy, type 2J; MUSCULAR DYSTROPHY, LIMB-GIRDLE, AUTOSOMAL RECESSIVE 10. Identifiers: Orphanet 140922, MedGen C1837342, MONDO:0012127, OMIM 608807.

gnomAD v4.1: 1 of 1,532,250 alleles (0.000065%); highest among the groups gnomAD compares: Admixed American, 0.0022%; no homozygotes.

Submission:

3billion
Classification: Likely pathogenic for Autosomal recessive limb-girdle muscular dystrophy type 2J. Last evaluated: 2024-01-19. Review status: criteria provided, single submitter. Criteria: ACMG Guidelines, 2015. Collection method: clinical testing. Allele origin: germline. Affected: yes.
Comment: The variant is not observed in the gnomAD v2.1.1 dataset. Predicted Consequence/Location: Stop-gained (nonsense): predicted to result in a loss or disruption of normal protein function through nonsense-mediated decay (NMD) or protein truncation. Multiple pathogenic variants are reported downstream of the variant. Therefore, this variant is classified as Likely pathogenic according to the recommendation of ACMG/AMP guideline.

NM_001267550.2(TTN):c.10339C>T (p.Gln3447Ter)

Gene: TTN (titin; minus strand). Cytogenetic location: 2q31.2.
Variant type: single nucleotide variant.
Coding change: c.10339C>T on transcript NM_001267550.2 (MANE Select); coding-DNA position 10339, C replaced by T.
Protein change: p.Gln3447Ter; replaces glutamine 3447 with a stop codon.
Molecular consequence: nonsense. On other transcripts: intron variant (5).
Genome position (GRCh38, 1-based): chr2:178,757,881, G>A on the plus strand (C>T on the coding strand, the complement: TTN is on the minus strand). VCF-style: chr2-178757881-G-A. GRCh37 (hg19) VCF-style: chr2-179622608-G-A.
Other names: c.10166-1084C>T (NM_133437.4); c.10303+1103C>T (NM_133378.4, NM_001256850.1, NM_133379.5); c.10201C>T, p.Gln3401Ter (NM_133432.3); c.10165+1103C>T (NM_003319.4); short protein forms Q3401*, Q3447*.
Identifiers: ClinVar variation 3776058 (VCV003776058.1).
Genomic context (GRCh38, chr2:178,757,881, plus strand): 5'-AGCTGGGCTTTTGGCCAAGGGGCTCCTTCTTAAATGAAACTGATAAAGAGACATGCCATT[G>A]GGAGTTTGATGTATTTTCTTCAAATTTGCTAAATCCTGAAAAGAAGCATACCAATTTTTA-3'